The following is an entry in ClinVar:

NM_000135.4(FANCA):c.550C>G (p.His184Asp)

Gene: FANCA (FA complementation group A; minus strand). Cytogenetic location: 16q24.3.
Variant type: single nucleotide variant.
Coding change: c.550C>G on transcript NM_000135.4 (MANE Select); coding-DNA position 550, C replaced by G.
Protein change: p.His184Asp; replaces histidine 184 with aspartic acid.
Molecular consequence: missense variant.
Genome position (GRCh38, 1-based): chr16:89,808,340, G>C on the plus strand (C>G on the coding strand, the complement: FANCA is on the minus strand). VCF-style: chr16-89808340-G-C. GRCh37 (hg19) VCF-style: chr16-89874748-G-C.
Other names: c.550C>G, p.His184Asp (NM_001018112.3, NM_001286167.3); c.454C>G, p.His152Asp (NM_001351830.2); short protein forms H152D, H184D.
Identifiers: ClinVar variation 4870892 (VCV004870892.1).

ClinVar aggregate classification (germline): Uncertain significance (1 of 4 stars; one submission).

Conditions:
Inborn genetic diseases. Identifiers: MedGen C0950123, MeSH D030342.

Submission:

Ambry Genetics
Classification: Uncertain significance for Inborn genetic diseases. Last evaluated: 2026-05-27. Review status: criteria provided, single submitter. Criteria: Ambry Variant Classification Scheme 2023. Collection method: clinical testing. Allele origin: germline.
Comment: The p.H184D variant (also known as c.550C>G), located in coding exon 6 of the FANCA gene, results from a C to G substitution at nucleotide position 550. The histidine at codon 184 is replaced by aspartic acid, an amino acid with similar properties. This amino acid position is conserved. In addition, this alteration is predicted to be tolerated by in silico analysis. Based on the available evidence, the clinical significance of this variant remains unclear.